The following is an entry in ClinVar:

NM_000088.4(COL1A1):c.2305A>T (p.Ile769Phe)

Gene: COL1A1 (collagen type I alpha 1 chain; minus strand). Cytogenetic location: 17q21.33.
Variant type: single nucleotide variant.
Coding change: c.2305A>T on transcript NM_000088.4 (MANE Select); coding-DNA position 2305, A replaced by T.
Protein change: p.Ile769Phe; replaces isoleucine 769 with phenylalanine.
Molecular consequence: missense variant.
Genome position (GRCh38, 1-based): chr17:50,190,855, T>A on the plus strand (A>T on the coding strand, the complement: COL1A1 is on the minus strand). VCF-style: chr17-50190855-T-A. GRCh37 (hg19) VCF-style: chr17-48268216-T-A.
Other names: short protein forms I769F.
Identifiers: ClinVar variation 1466557 (VCV001466557.6), dbSNP rs2144556397, ClinGen allele CA400210065.
Genomic context (GRCh38, chr17:50,190,855, plus strand): 5'-GGTGGGGAGGCGGCCACCTCACCTTGTCACCAGGGGCACCAGCAGGGCCAGGAGGACCAA[T>A]GGGGCCAGTCAGACCACGGACGCCATCTTTGCCAGGAGAGCCATCAGCACCTTTGGGACC-3'
Protein context (NP_000079.2, residues 759-779): KDGVRGLTGP[Ile769Phe]GPPGPAGAPG

ClinVar aggregate classification (germline): Uncertain significance (1 of 4 stars; one submission).

Conditions:
Osteogenesis imperfecta type I (OI1). Also called: Lobstein disease; Osteogenesis imperfecta type 1; Lobstein's Disease; Classic Non-deforming Osteogenesis Imperfecta with Blue Sclerae; OI, TYPE I; OSTEOGENESIS IMPERFECTA TARDA. Identifiers: Orphanet 216796, Orphanet 666, MedGen C0023931, MONDO:0008146, OMIM 166200. Disease mechanism: loss of function.

Submission:

Labcorp Genetics (formerly Invitae), Labcorp
Classification: Uncertain significance for Osteogenesis imperfecta type I. Last evaluated: 2021-11-24. Review status: criteria provided, single submitter. Criteria: Invitae Variant Classification Sherloc (09022015). Collection method: clinical testing. Allele origin: germline.
Comment: This sequence change replaces isoleucine, which is neutral and non-polar, with phenylalanine, which is neutral and non-polar, at codon 769 of the COL1A1 protein (p.Ile769Phe). This variant is not present in population databases (gnomAD no frequency). In summary, the available evidence is currently insufficient to determine the role of this variant in disease. Therefore, it has been classified as a Variant of Uncertain Significance. Advanced modeling of protein sequence and biophysical properties (such as structural, functional, and spatial information, amino acid conservation, physicochemical variation, residue mobility, and thermodynamic stability) performed at Invitae indicates that this missense variant is not expected to disrupt COL1A1 protein function. This variant has not been reported in the literature in individuals affected with COL1A1-related conditions.